The following is an entry in ClinVar:

ClinVar aggregate classification (germline): Uncertain significance. Review status: criteria provided, multiple submitters, no conflicts (2 of 4 stars). 2 submissions from 2 submitters: Uncertain significance (2). Last evaluated 2023-09-11.

Conditions:
Cardiovascular phenotype. Identifiers: MedGen CN230736.
Cutis laxa, autosomal recessive, type 1B (ARCL1B). Also called: EFEMP2-Related Cutis Laxa; CUTIS LAXA, AUTOSOMAL RECESSIVE, TYPE IB. Identifiers: Orphanet 90349, MedGen C3280798, MONDO:0013754, OMIM 614437. Disease mechanism: loss of function.

Allele frequency attached by ClinVar (database versions not stated): ExAC 0.00002; gnomAD exomes 0.00002 and 0.00004; TOPMed 0.00002; gnomAD 0.00003 and 0.00004; ESP Exome Variant Server 0.00008.

Submissions (2):

Ambry Genetics
Classification: Uncertain significance for Cardiovascular phenotype. Last evaluated: 2023-09-11. Review status: criteria provided, single submitter. Criteria: Ambry Variant Classification Scheme 2023. Collection method: clinical testing. Allele origin: germline.
Comment: The p.K70R variant (also known as c.209A>G), located in coding exon 3 of the EFEMP2 gene, results from an A to G substitution at nucleotide position 209. The lysine at codon 70 is replaced by arginine, an amino acid with highly similar properties. This amino acid position is conserved. In addition, the in silico prediction for this alteration is inconclusive. Since supporting evidence is limited at this time, the clinical significance of this alteration remains unclear.

Labcorp Genetics (formerly Invitae), Labcorp
Classification: Uncertain significance for Cutis laxa, autosomal recessive, type 1B. Last evaluated: 2022-08-09. Review status: criteria provided, single submitter. Criteria: Invitae Variant Classification Sherloc (09022015). Collection method: clinical testing. Allele origin: germline.
Comment: This sequence change replaces lysine, which is basic and polar, with arginine, which is basic and polar, at codon 70 of the EFEMP2 protein (p.Lys70Arg). This variant is present in population databases (rs373922246, gnomAD 0.005%). This variant has not been reported in the literature in individuals affected with EFEMP2-related conditions. ClinVar contains an entry for this variant (Variation ID: 843666). Algorithms developed to predict the effect of missense changes on protein structure and function are either unavailable or do not agree on the potential impact of this missense change (SIFT: "Deleterious"; PolyPhen-2: "Probably Damaging"; Align-GVGD: "Class C0"). In summary, the available evidence is currently insufficient to determine the role of this variant in disease. Therefore, it has been classified as a Variant of Uncertain Significance.

NM_016938.5(EFEMP2):c.209A>G (p.Lys70Arg)

Gene: EFEMP2 (EGF-like fibulin extracellular matrix protein 2; minus strand). Cytogenetic location: 11q13.1.
Variant type: single nucleotide variant.
Coding change: c.209A>G on transcript NM_016938.5 (MANE Select); coding-DNA position 209, A replaced by G.
Protein change: p.Lys70Arg; replaces lysine 70 with arginine.
Molecular consequence: missense variant. On other transcripts: non-coding transcript variant (1).
Genome position (GRCh38, 1-based): chr11:65,871,315, T>C on the plus strand (A>G on the coding strand, the complement: EFEMP2 is on the minus strand). VCF-style: chr11-65871315-T-C. GRCh37 (hg19) VCF-style: chr11-65638786-T-C.
Other names: short protein forms K70R.
Identifiers: ClinVar variation 843666 (VCV000843666.8), dbSNP rs373922246, ClinGen allele CA6110742.